The following is an entry in ClinVar:

ClinVar aggregate classification (germline): Benign. Review status: criteria provided, single submitter (1 of 4 stars). 2 submissions from 2 submitters: Benign (1). 1 of the submissions does not count toward it. Last evaluated 2024-11-05.

Conditions:
Developmental and epileptic encephalopathy, 27 (DEE27). Also called: GRIN2B-Related Neurodevelopmental Disorder; Epileptic encephalopathy, early infantile, 27. Identifiers: Orphanet 3451, MedGen C4015316, MONDO:0014505, OMIM 616139.
Intellectual developmental disorder, autosomal dominant 6, with or without seizures. Also called: Intellectual disability, autosomal dominant 6; GRIN2B-related developmental delay, intellectual disability and autism spectrum disorder. Identifiers: Orphanet 589547, MedGen C3151411, MONDO:0013509, OMIM 613970.
GRIN2B-related disorder. Also called: GRIN2B-related condition.

Allele frequency attached by ClinVar (database versions not stated): gnomAD exomes 0.00001; gnomAD 0.00002; TOPMed 0.00008; ExAC 0.00010.

Submissions (2):

Labcorp Genetics (formerly Invitae), Labcorp
Classification: Benign for Developmental and epileptic encephalopathy, 27; Intellectual developmental disorder, autosomal dominant 6, with or without seizures. Last evaluated: 2024-11-05. Review status: criteria provided, single submitter. Criteria: Invitae Variant Classification Sherloc (09022015). Collection method: clinical testing. Allele origin: germline.

PreventionGenetics, part of Exact Sciences
Classification: Likely benign for GRIN2B-related condition. Last evaluated: 2020-03-09. Review status: no assertion criteria provided. Collection method: clinical testing. Allele origin: germline. Not counted in ClinVar's aggregate classification.
Comment: This variant is classified as likely benign based on ACMG/AMP sequence variant interpretation guidelines (Richards et al. 2015 PMID: 25741868, with internal and published modifications).

NM_000834.5(GRIN2B):c.4114A>G (p.Met1372Val)

Gene: GRIN2B (glutamate ionotropic receptor NMDA type subunit 2B; minus strand). Cytogenetic location: 12p13.1.
Variant type: single nucleotide variant.
Coding change: c.4114A>G on transcript NM_000834.5 (MANE Select); coding-DNA position 4114, A replaced by G.
Protein change: p.Met1372Val; replaces methionine 1372 with valine.
Molecular consequence: missense variant.
Genome position (GRCh38, 1-based): chr12:13,563,124, T>C on the plus strand (A>G on the coding strand, the complement: GRIN2B is on the minus strand). VCF-style: chr12-13563124-T-C. GRCh37 (hg19) VCF-style: chr12-13716058-T-C.
Other names: c.4114A>G (NM_000834.3); c.4114A>G, p.Met1372Val (NM_001413992.1); short protein forms M1372V.
Identifiers: ClinVar variation 2196736 (VCV002196736.6), dbSNP rs200217700, ClinGen allele CA6460780.